The following is an entry in ClinVar:

ClinVar aggregate classification (germline): Conflicting classifications of pathogenicity. Review status: criteria provided, conflicting classifications (1 of 4 stars). 6 submissions from 6 submitters: Uncertain significance (2); Likely benign (3). 1 of the submissions does not count toward it. Last evaluated 2025-02-02.

Conditions:
ARX-related disorder. Also called: ARX-Related Disorders; ARX-related condition. Identifiers: MedGen CN378769.
Intellectual disability, X-linked, with or without seizures, ARX-related. Also called: MENTAL RETARDATION, X-LINKED 29; MENTAL RETARDATION, X-LINKED 32; MENTAL RETARDATION, X-LINKED 33; MENTAL RETARDATION, X-LINKED 38; MENTAL RETARDATION, X-LINKED 43; MENTAL RETARDATION, X-LINKED 76. Identifiers: Orphanet 777, MedGen C0796244, MONDO:0010317, OMIM 300419.
Developmental and epileptic encephalopathy, 1 (DEE1). Also called: INFANTILE SPASM SYNDROME, X-LINKED 1; Epileptic encephalopathy, early infantile, 1; X-linked infantile spasms; West's syndrome; Tonic spasms with clustering, arrest of psychomotor development and hypsarrhythmia on EEG; X-Linked Infantile Spasm Syndrome. Identifiers: MedGen C3463992, MONDO:0010632, OMIM 308350. Disease mechanism: loss of function.
Inborn genetic diseases. Identifiers: MedGen C0950123, MeSH D030342.

Submissions (6):

Labcorp Genetics (formerly Invitae), Labcorp
Classification: Uncertain significance for Developmental and epileptic encephalopathy, 1; Intellectual disability, X-linked, with or without seizures, ARX-related. Last evaluated: 2025-02-02. Review status: criteria provided, single submitter. Criteria: Invitae Variant Classification Sherloc (09022015). Collection method: clinical testing. Allele origin: germline.
Comment: This variant, c.1318_1320del, results in the deletion of 1 amino acid(s) of the ARX protein (p.Ala440del), but otherwise preserves the integrity of the reading frame. The frequency data for this variant in the population databases is considered unreliable, as metrics indicate poor data quality at this position in the gnomAD database. This variant has not been reported in the literature in individuals affected with ARX-related conditions. ClinVar contains an entry for this variant (Variation ID: 410779). Experimental studies and prediction algorithms are not available or were not evaluated, and the functional significance of this variant is currently unknown. In summary, the available evidence is currently insufficient to determine the role of this variant in disease. Therefore, it has been classified as a Variant of Uncertain Significance.

Blueprint Genetics
Classification: Likely benign. Last evaluated: 2024-11-26. Review status: criteria provided, single submitter. Criteria: ACMG Guidelines, 2015. Collection method: clinical testing. Allele origin: germline.

Pittsburgh Clinical Genomics Laboratory, University of Pittsburgh Medical Center
Classification: Uncertain significance for Intellectual disability, X-linked, with or without seizures, ARX-related. Last evaluated: 2023-04-25. Review status: criteria provided, single submitter. Criteria: ACMG Guidelines, 2015. Collection method: clinical testing. Allele origin: germline. Inheritance: X-linked recessive inheritance. Affected: yes.
Comment: This sequence variant is an in-frame deletion of 3 nucleotides at coding positions 1318 through 1320 of the ARX gene which removes the alanine amino acid at residue 440 of the ARX protein. This variant has not been reported in clinical genetics databases or observed in the medical literature in individuals with ARX-related disease, to our knowledge. This variant is present in 95/84504 alleles (0.1124%) in the gnomAD population database; it is notably only present in heterozygous females. This variant occurs in the last of four polyalanine domains in ARX. At this time, there is insufficient evidence to determine if this variant is pathogenic or benign. Therefore, we consider it to be a variant of uncertain significance. ACMG Criteria: BP3

Centre for Mendelian Genomics, University Medical Centre Ljubljana
Classification: Likely benign for Intellectual disability, X-linked, with or without seizures, ARX-related. Last evaluated: 2019-03-30. Review status: criteria provided, single submitter. Criteria: ACMG Guidelines, 2015. Collection method: clinical testing. Allele origin: unknown. Affected: yes.
Comment: This variant was classified as: Likely benign. The following ACMG criteria were applied in classifying this variant: BS1,BP3.

Ambry Genetics
Classification: Likely benign for Inborn genetic diseases. Last evaluated: 2016-06-06. Review status: criteria provided, single submitter. Criteria: Ambry Variant Classification Scheme 2023. Collection method: clinical testing. Allele origin: germline.

PreventionGenetics, part of Exact Sciences
Classification: Likely benign for ARX-related condition. Last evaluated: 2020-04-06. Review status: no assertion criteria provided. Collection method: clinical testing. Allele origin: germline. Not counted in ClinVar's aggregate classification.
Comment: This variant is classified as likely benign based on ACMG/AMP sequence variant interpretation guidelines (Richards et al. 2015 PMID: 25741868, with internal and published modifications).

NM_139058.3(ARX):c.1300GCC[6] (p.Ala440del)

Gene: ARX (aristaless related homeobox; minus strand). Cytogenetic location: Xp21.3.
Variant type: Microsatellite.
Coding change: c.1300GCC[6] on transcript NM_139058.3 (MANE Select); six copies in a row of the 3-base unit GCC starting at c.1300; the reference has seven copies in a row; one copy, 3 bases deleted; also written c.1318_1320del.
Protein change: p.Ala440del; deletes alanine 440.
Molecular consequence: inframe deletion.
Genome position (GRCh38, 1-based): chrX:25,007,239-25,007,241, GGC deleted on the plus strand (GCC on the coding strand, the reverse complement: ARX is on the minus strand); deleting any 3 consecutive bases within chrX:25,007,239-25,007,259 gives the same sequence; the position shown is the placement nearest the transcript's 3' end. VCF-style (leftmost placement, unchanged base first): chrX-25007238-AGGC-A. GRCh37 (hg19) VCF-style: chrX-25025355-AGGC-A.
Other names: c.1318_1320del (NM_139058.2, NM_139058.3); short protein forms A440del.
Identifiers: ClinVar variation 410779 (VCV000410779.20), dbSNP rs398124508, ClinGen allele CA10373816.